The following is an entry in ClinVar:

ClinVar aggregate classification (germline): Uncertain significance (1 of 4 stars; one submission).

Conditions:
Familial intrahepatic cholestasis. Identifiers: Orphanet 284385, MedGen CN296401, MONDO:0017290.

Submission:

Genomenon, Inc
Classification: Uncertain significance for Familial intrahepatic cholestasis. Last evaluated: 2026-04-14. Review status: criteria provided, single submitter. Criteria: Genomenon Sequence Variant Interpretation Standards - Updated. Collection method: curation. Allele origin: germline. Affected: no.
Comment: ATP8B1 p.Met110Ile (c.330G>C) is a missense variant that changes the amino acid at residue 110 from Methionine to Isoleucine. This variant has been reported in the published literature (PMID:37208429). It is absent or not present at a significant frequency in gnomAD. In conclusion, we classify ATP8B1 p.Met110Ile (c.330G>C) as a variant of uncertain significance.

Literature cited by the submitters: PubMed 37208429.

NM_001374385.1(ATP8B1):c.330G>C (p.Met110Ile)

Gene: ATP8B1 (ATPase phospholipid transporting 8B1; minus strand). Cytogenetic location: 18q21.31.
Variant type: single nucleotide variant.
Coding change: c.330G>C on transcript NM_001374385.1 (MANE Select); coding-DNA position 330, G replaced by C.
Protein change: p.Met110Ile; replaces methionine 110 with isoleucine.
Molecular consequence: missense variant.
Genome position (GRCh38, 1-based): chr18:57,704,618, C>G on the plus strand (G>C on the coding strand, the complement: ATP8B1 is on the minus strand). VCF-style: chr18-57704618-C-G. GRCh37 (hg19) VCF-style: chr18-55371850-C-G.
Other names: c.180G>C, p.Met60Ile (NM_001374386.1); c.330G>C, p.Met110Ile (NM_005603.6); short protein forms M110I, M60I.
Identifiers: ClinVar variation 4846256 (VCV004846256.1).